The following is an entry in ClinVar:

ClinVar aggregate classification (germline): Uncertain significance. Review status: criteria provided, multiple submitters, no conflicts (2 of 4 stars). 2 submissions from 2 submitters: Uncertain significance (2). Last evaluated 2026-09-01.

Conditions:
Epidermolysis bullosa simplex 5C, with pyloric atresia (EBS5C). Also called: PLEC-Related Epidermolysis Bullosa with Pyloric Atresia; Epidermolysis bullosa simplex with pyloric atresia; PLEC1-Related Epidermolysis Bullosa with Pyloric Atresia. Identifiers: Orphanet 158684, MedGen C2677349, MONDO:0012807, OMIM 612138.
Epidermolysis bullosa simplex with nail dystrophy (EBS5D). Identifiers: MedGen C4225309, MONDO:0014661, OMIM 616487.
Epidermolysis bullosa simplex 5B, with muscular dystrophy (EBS5B). Also called: EPIDERMOLYSIS BULLOSA SIMPLEX AND LIMB-GIRDLE MUSCULAR DYSTROPHY; Epidermolysis bullosa simplex with muscular dystrophy. Identifiers: Orphanet 257, MedGen C2931072, MONDO:0009181, OMIM 226670.
Epidermolysis bullosa simplex, Ogna type (EBS5A). Also called: EPIDERMOLYSIS BULLOSA SIMPLEX 5A, OGNA TYPE; Pidermolysis bullosa simplex 5A, Ogna type. Identifiers: Orphanet 79401, MedGen C0432317, MONDO:0007555, OMIM 131950.
Autosomal recessive limb-girdle muscular dystrophy type 2Q (LGMDR17). Also called: MUSCULAR DYSTROPHY, LIMB-GIRDLE, AUTOSOMAL RECESSIVE 17. Identifiers: Orphanet 254361, MedGen C3150989, MONDO:0013390, OMIM 613723.

gnomAD v4.1: 6 of 1,612,980 alleles (0.00037%); highest among the groups gnomAD compares: Non-Finnish European, 0.00051%; no homozygotes.

Submissions (2):

CeGaT Center for Human Genetics Tuebingen
Classification: Uncertain significance. Last evaluated: 2026-09-01. Review status: criteria provided, single submitter. Criteria: CeGaT Center For Human Genetics Tuebingen Variant Classification Criteria Version 2. Collection method: clinical testing. Allele origin: germline. Affected: yes. Observed: 1 variant allele.

Labcorp Genetics (formerly Invitae), Labcorp
Classification: Uncertain significance for Autosomal recessive limb-girdle muscular dystrophy type 2Q; Epidermolysis bullosa simplex, Ogna type; Epidermolysis bullosa simplex with nail dystrophy; Epidermolysis bullosa simplex 5C, with pyloric atresia; Epidermolysis bullosa simplex 5B, with muscular dystrophy. Last evaluated: 2022-02-08. Review status: criteria provided, single submitter. Criteria: Invitae Variant Classification Sherloc (09022015). Collection method: clinical testing. Allele origin: germline.
Comment: In summary, the available evidence is currently insufficient to determine the role of this variant in disease. Therefore, it has been classified as a Variant of Uncertain Significance. Algorithms developed to predict the effect of missense changes on protein structure and function are either unavailable or do not agree on the potential impact of this missense change (SIFT: "Deleterious"; PolyPhen-2: "Benign"; Align-GVGD: "Class C15"). This variant has not been reported in the literature in individuals affected with PLEC-related conditions. This variant is present in population databases (rs2857821, gnomAD 0.0009%). This sequence change replaces phenylalanine, which is neutral and non-polar, with leucine, which is neutral and non-polar, at codon 4357 of the PLEC protein (p.Phe4357Leu).

NM_201384.3(PLEC):c.12990C>G (p.Phe4330Leu)

Gene: PLEC (plectin; minus strand). Cytogenetic location: 8q24.3.
Variant type: single nucleotide variant.
Coding change: c.12990C>G on transcript NM_201384.3 (MANE Select); coding-DNA position 12990, C replaced by G.
Protein change: p.Phe4330Leu; replaces phenylalanine 4330 with leucine.
Molecular consequence: missense variant.
Genome position (GRCh38, 1-based): chr8:143,916,831, G>C on the plus strand (C>G on the coding strand, the complement: PLEC is on the minus strand). VCF-style: chr8-143916831-G-C. GRCh37 (hg19) VCF-style: chr8-144990999-G-C.
Other names: c.13071C>G, p.Phe4357Leu (NM_000445.5); c.12948C>G, p.Phe4316Leu (NM_201378.4); c.12924C>G, p.Phe4308Leu (NM_201379.3); c.13401C>G, p.Phe4467Leu (NM_201380.4); c.12894C>G, p.Phe4298Leu (NM_201381.3); c.12990C>G, p.Phe4330Leu (NM_201382.4); c.13002C>G, p.Phe4334Leu (NM_201383.3); short protein forms F4298L, F4334L, F4308L, F4357L, F4467L, F4316L, F4330L.
Identifiers: ClinVar variation 1409513 (VCV001409513.9), dbSNP rs2857821, ClinGen allele CA4923932.